The following is an entry in ClinVar:

ClinVar aggregate classification (germline): Uncertain significance. Review status: criteria provided, multiple submitters, no conflicts (2 of 4 stars). 2 submissions from 2 submitters: Uncertain significance (2). Last evaluated 2023-11-08.

Conditions:
Hereditary cancer-predisposing syndrome. Also called: Hereditary Cancer Syndrome; Tumor predisposition; Neoplastic Syndromes, Hereditary; Hereditary neoplastic syndrome. Identifiers: Orphanet 140162, MedGen C0027672, MeSH D009386, MONDO:0015356.
Retinoblastoma (RB1). Also called: RETINOBLASTOMA, SOMATIC. Identifiers: Orphanet 790, MedGen C0035335, MeSH D012175, MONDO:0008380, OMIM 180200, HP:0009919. Disease mechanism: loss of function. Inheritance: Both sporadic and heritable forms are tested..

Submissions (2):

Ambry Genetics
Classification: Uncertain significance for Hereditary cancer-predisposing syndrome. Last evaluated: 2023-11-08. Review status: criteria provided, single submitter. Criteria: Ambry Variant Classification Scheme 2023. Collection method: clinical testing. Allele origin: germline.
Comment: The p.E287G variant (also known as c.860A>G), located in coding exon 8 of the RB1 gene, results from an A to G substitution at nucleotide position 860. The glutamic acid at codon 287 is replaced by glycine, an amino acid with similar properties. This amino acid position is highly conserved in available vertebrate species. In addition, this alteration is predicted to be deleterious by in silico analysis. Since supporting evidence is limited at this time, the clinical significance of this alteration remains unclear.

Labcorp Genetics (formerly Invitae), Labcorp
Classification: Uncertain significance for Retinoblastoma. Last evaluated: 2020-11-06. Review status: criteria provided, single submitter. Criteria: Invitae Variant Classification Sherloc (09022015). Collection method: clinical testing. Allele origin: germline.
Comment: This sequence change replaces glutamic acid with glycine at codon 287 of the RB1 protein (p.Glu287Gly). The glutamic acid residue is highly conserved and there is a moderate physicochemical difference between glutamic acid and glycine. This variant is not present in population databases (ExAC no frequency). This variant has not been reported in the literature in individuals with RB1-related conditions. Algorithms developed to predict the effect of missense changes on protein structure and function (SIFT, PolyPhen-2, Align-GVGD) all suggest that this variant is likely to be disruptive, but these predictions have not been confirmed by published functional studies and their clinical significance is uncertain. Algorithms developed to predict the effect of sequence changes on RNA splicing suggest that this variant may disrupt the consensus splice site, but this prediction has not been confirmed by published transcriptional studies. In summary, the available evidence is currently insufficient to determine the role of this variant in disease. Therefore, it has been classified as a Variant of Uncertain Significance.

NM_000321.3(RB1):c.860A>G (p.Glu287Gly)

Gene: RB1 (RB transcriptional corepressor 1; plus strand). Cytogenetic location: 13q14.2.
Variant type: single nucleotide variant.
Coding change: c.860A>G on transcript NM_000321.3 (MANE Select); coding-DNA position 860, A replaced by G.
Protein change: p.Glu287Gly; replaces glutamic acid 287 with glycine.
Molecular consequence: missense variant.
Genome position (GRCh38, 1-based): chr13:48,362,956, A>G. VCF-style: chr13-48362956-A-G. GRCh37 (hg19) VCF-style: chr13-48937092-A-G.
Other names: c.860A>G (NM_000321.2); short protein forms E287G.
Identifiers: ClinVar variation 1015277 (VCV001015277.9), dbSNP rs1952657220, ClinGen allele CA388159719.